The following is an entry in ClinVar:

ClinVar aggregate classification (germline): Uncertain significance. Review status: criteria provided, multiple submitters, no conflicts (2 of 4 stars). 2 submissions from 2 submitters: Uncertain significance (2). Last evaluated 2025-09-21.

Allele frequency attached by ClinVar (database versions not stated): gnomAD 0.00001; gnomAD exomes 0.00001 and 0.00002; ExAC 0.00002; TOPMed 0.00002.
gnomAD v4.1: 12 of 1,593,192 alleles (0.00075%); highest among the groups gnomAD compares: South Asian, 0.0033%; no homozygotes.

Submissions (2):

Labcorp Genetics (formerly Invitae), Labcorp
Classification: Uncertain significance. Last evaluated: 2025-09-21. Review status: criteria provided, single submitter. Criteria: Invitae Variant Classification Sherloc (09022015). Collection method: clinical testing. Allele origin: germline.
Comment: This sequence change replaces arginine, which is basic and polar, with glutamine, which is neutral and polar, at codon 219 of the JAK1 protein (p.Arg219Gln). This variant is present in population databases (rs764523308, gnomAD 0.007%). This variant has not been reported in the literature in individuals affected with JAK1-related conditions. ClinVar contains an entry for this variant (Variation ID: 1520192). Invitae Evidence Modeling of protein sequence and biophysical properties (such as structural, functional, and spatial information, amino acid conservation, physicochemical variation, residue mobility, and thermodynamic stability) indicates that this missense variant is not expected to disrupt JAK1 protein function with a negative predictive value of 80%. In summary, the available evidence is currently insufficient to determine the role of this variant in disease. Therefore, it has been classified as a Variant of Uncertain Significance.

Blueprint Genetics
Classification: Uncertain significance. Last evaluated: 2024-11-21. Review status: criteria provided, single submitter. Criteria: ACMG Guidelines, 2015. Collection method: clinical testing. Allele origin: germline.

NM_002227.4(JAK1):c.656G>A (p.Arg219Gln)

Gene: JAK1 (Janus kinase 1; minus strand). Cytogenetic location: 1p31.3.
Variant type: single nucleotide variant.
Coding change: c.656G>A on transcript NM_002227.4 (MANE Select); coding-DNA position 656, G replaced by A.
Protein change: p.Arg219Gln; replaces arginine 219 with glutamine.
Molecular consequence: missense variant.
Genome position (GRCh38, 1-based): chr1:64,867,200, C>T on the plus strand (G>A on the coding strand, the complement: JAK1 is on the minus strand). VCF-style: chr1-64867200-C-T. GRCh37 (hg19) VCF-style: chr1-65332883-C-T.
Other names: c.656G>A, p.Arg219Gln (NM_001320923.2, NM_001321852.2, NM_001321853.2 and 4 more transcripts); short protein forms R219Q.
Identifiers: ClinVar variation 1520192 (VCV001520192.9), dbSNP rs764523308, ClinGen allele CA893103.
Genomic context (GRCh38, chr1:64,867,200, plus strand): 5'-CGCATCCTGGTGAGAAGGTTCCTCTGTCTGATGGACTTATTCAATGTTTCTGGAATATAT[C>T]GCTTGTAGCTAAAAGACAGTAGAAAAGTACATCTCCTTTTCATGTACAGGTTAGGAGAAA-3'
Protein context (NP_002218.2, residues 209-229): PELPKDISYK[Arg219Gln]YIPETLNKSI